The following is an entry in ClinVar:

NM_001267550.2(TTN):c.50661C>G (p.Tyr16887Ter)

Genes: TTN-AS1 (TTN antisense RNA 1; plus strand), TTN (titin; minus strand). Cytogenetic location: 2q31.2.
Variant type: single nucleotide variant.
Coding change: c.50661C>G on transcript NM_001267550.2 (MANE Select); coding-DNA position 50661, C replaced by G.
Protein change: p.Tyr16887Ter; replaces tyrosine 16887 with a stop codon.
Molecular consequence: nonsense.
Genome position (GRCh38, 1-based): chr2:178,611,568, G>C on the plus strand (C>G on the coding strand, the complement: TTN is on the minus strand). VCF-style: chr2-178611568-G-C. GRCh37 (hg19) VCF-style: chr2-179476295-G-C.
Other names: c.45738C>G, p.Tyr15246Ter (NM_001256850.1); c.23466C>G, p.Tyr7822Ter (NM_003319.4); c.42957C>G, p.Tyr14319Ter (NM_133378.4); c.23841C>G, p.Tyr7947Ter (NM_133432.3); c.24042C>G, p.Tyr8014Ter (NM_133437.4); short protein forms Y14319*, Y15246*, Y16887*, Y7822*, Y7947*, Y8014*.
Identifiers: ClinVar variation 3756905 (VCV003756905.2).

ClinVar aggregate classification (germline): Likely pathogenic (1 of 4 stars; one submission).

Conditions:
Dilated cardiomyopathy 1G (CMD1G). Identifiers: Orphanet 154, MedGen C1858763, MONDO:0011400, OMIM 604145.
Autosomal recessive limb-girdle muscular dystrophy type 2J (LGMDR10). Also called: Limb-girdle muscular dystrophy, type 2J; MUSCULAR DYSTROPHY, LIMB-GIRDLE, AUTOSOMAL RECESSIVE 10. Identifiers: Orphanet 140922, MedGen C1837342, MONDO:0012127, OMIM 608807.

Submission:

Labcorp Genetics (formerly Invitae), Labcorp
Classification: Likely pathogenic for Dilated cardiomyopathy 1G; Autosomal recessive limb-girdle muscular dystrophy type 2J. Last evaluated: 2024-06-26. Review status: criteria provided, single submitter. Criteria: Invitae Variant Classification Sherloc (09022015). Collection method: clinical testing. Allele origin: germline.
Comment: This sequence change creates a premature translational stop signal (p.Tyr16887*) in the TTN gene. While this is not anticipated to result in nonsense mediated decay, it is expected to create a truncated TTN protein. This variant is not present in population databases (gnomAD no frequency). This variant has not been reported in the literature in individuals affected with TTN-related conditions. Algorithms developed to predict the effect of sequence changes on RNA splicing suggest that this variant may disrupt the consensus splice site. This variant is located in the A band of TTN (PMID: 25589632). Truncating variants in this region are significantly overrepresented in patients affected with dilated cardiomyopathy (PMID: 25589632). Truncating variants in this region have also been reported in individuals affected with autosomal recessive centronuclear myopathy (PMID: 23975875). In summary, the currently available evidence indicates that the variant is pathogenic, but additional data are needed to prove that conclusively. Therefore, this variant has been classified as Likely Pathogenic.

Literature cited by the submitters: PubMed 25589632; PubMed 23975875.